The following is an entry in ClinVar:

NM_004525.3(LRP2):c.4092T>C (p.Cys1364=)

Gene: LRP2 (LDL receptor related protein 2; minus strand). Cytogenetic location: 2q31.1.
Variant type: single nucleotide variant.
Coding change: c.4092T>C on transcript NM_004525.3 (MANE Select); coding-DNA position 4092, T replaced by C.
Protein change: p.Cys1364=; no amino-acid change (cysteine 1364 retained).
Molecular consequence: synonymous variant.
Genome position (GRCh38, 1-based): chr2:169,239,729, A>G on the plus strand (T>C on the coding strand, the complement: LRP2 is on the minus strand). VCF-style: chr2-169239729-A-G. GRCh37 (hg19) VCF-style: chr2-170096239-A-G.
Identifiers: ClinVar variation 332173 (VCV000332173.15), dbSNP rs200311104, ClinGen allele CA1954881.

ClinVar aggregate classification (germline): Conflicting classifications of pathogenicity. Review status: criteria provided, conflicting classifications (1 of 4 stars). 4 submissions from 4 submitters: Uncertain significance (1); Likely benign (2). 1 of the submissions does not count toward it. Last evaluated 2025-12-28.

Conditions:
LRP2-related disorder. Also called: LRP2-related condition.
Donnai-Barrow syndrome. Also called: DBS/FOAR SYNDROME; FACIOOCULOACOUSTICORENAL SYNDROME. Identifiers: Orphanet 2143, MedGen C1857277, MONDO:0009104, OMIM 222448.

Allele frequency attached by ClinVar (database versions not stated): ESP Exome Variant Server 0.00015; gnomAD 0.00005 and 0.00006; gnomAD exomes 0.00008 and 0.00010; TOPMed 0.00008; ExAC 0.00009.
gnomAD v4.1: 151 of 1,613,962 alleles (0.0094%); highest among the groups gnomAD compares: Non-Finnish European, 0.0084%; no homozygotes.

Submissions (4):

Labcorp Genetics (formerly Invitae), Labcorp
Classification: Likely benign. Last evaluated: 2025-12-28. Review status: criteria provided, single submitter. Criteria: Invitae Variant Classification Sherloc (09022015). Collection method: clinical testing. Allele origin: germline.

Blueprint Genetics
Classification: Likely benign. Last evaluated: 2023-09-05. Review status: criteria provided, single submitter. Criteria: ACMG Guidelines, 2015. Collection method: clinical testing. Allele origin: germline.

Illumina Laboratory Services, Illumina
Classification: Uncertain significance for Donnai-Barrow syndrome. Last evaluated: 2018-01-12. Review status: criteria provided, single submitter. Criteria: ICSL Variant Classification Criteria 13 December 2019. Collection method: clinical testing. Allele origin: germline.

PreventionGenetics, part of Exact Sciences
Classification: Likely benign for LRP2-related condition. Last evaluated: 2019-07-22. Review status: no assertion criteria provided. Collection method: clinical testing. Allele origin: germline. Not counted in ClinVar's aggregate classification.
Comment: This variant is classified as likely benign based on ACMG/AMP sequence variant interpretation guidelines (Richards et al. 2015 PMID: 25741868, with internal and published modifications).